The following is an entry in ClinVar:

ClinVar aggregate classification (germline): Uncertain significance (1 of 4 stars; one submission).

Submission:

Greenwood Genetic Center Diagnostic Laboratories, Greenwood Genetic Center
Classification: Uncertain significance. Last evaluated: 2022-01-13. Review status: criteria provided, single submitter. Criteria: ACMG Guidelines, 2015. Collection method: clinical testing. Allele origin: germline. Affected: yes.
Comment: PM2

NM_001289080.2(CNTN6):c.2786T>C (p.Met929Thr)

Gene: CNTN6 (contactin 6; plus strand). Cytogenetic location: 3p26.3.
Variant type: single nucleotide variant.
Coding change: c.2786T>C on transcript NM_001289080.2 (MANE Select); coding-DNA position 2786, T replaced by C.
Protein change: p.Met929Thr; replaces methionine 929 with threonine.
Molecular consequence: missense variant.
Genome position (GRCh38, 1-based): chr3:1,401,514, T>C. VCF-style: chr3-1401514-T-C. GRCh37 (hg19) VCF-style: chr3-1443198-T-C.
Other names: c.2570T>C, p.Met857Thr (NM_001289081.2); c.2786T>C, p.Met929Thr (NM_001349350.2, NM_001349351.2, NM_001349352.2 and 4 more transcripts); c.2678T>C, p.Met893Thr (NM_001349356.2); c.2474T>C, p.Met825Thr (NM_001349357.2); c.2231T>C, p.Met744Thr (NM_001349358.2); c.1664T>C, p.Met555Thr (NM_001349359.2, NM_001349360.2, NM_001349361.2 and 1 more transcripts); short protein forms M555T, M744T, M825T, M857T, M893T, M929T.
Identifiers: ClinVar variation 1676520 (VCV001676520.3), dbSNP rs1695705016, ClinGen allele CA351438159.
Genomic context (GRCh38, chr3:1,401,514, plus strand): 5'-ACATTGCCTGGAAGCTGACAAACTCTAAATTATGCTTGAACTGGGAGCATGTAAAAACCA[T>C]GGAAAATGAGTCTGAAGTTTTGGGGTACAAGGTGAGTTTTTAGTTTTTCCTTTAATCATA-3'
Protein context (NP_001276009.1, residues 919-939): LCLNWEHVKT[Met929Thr]ENESEVLGYK